The following is an entry in ClinVar:

ClinVar aggregate classification (germline): Uncertain significance. Review status: criteria provided, multiple submitters, no conflicts (2 of 4 stars). 3 submissions from 3 submitters: Uncertain significance (3). Last evaluated 2026-01-10.

Conditions:
Cardiovascular phenotype. Identifiers: MedGen CN230736.
Catecholaminergic polymorphic ventricular tachycardia (CVPT). Also called: Catecholamine-induced polymorphic ventricular tachycardia. Identifiers: Orphanet 3286, MedGen C5574922, MONDO:0017990.

Allele frequency attached by ClinVar (database versions not stated): gnomAD exomes below 0.00001.
gnomAD v4.1: 5 of 1,595,238 alleles (0.00031%); highest among the groups gnomAD compares: Middle Eastern, 0.017%; no homozygotes.

Submissions (3):

Ambry Genetics
Classification: Uncertain significance for Cardiovascular phenotype. Last evaluated: 2026-01-10. Review status: criteria provided, single submitter. Criteria: Ambry Variant Classification Scheme 2023. Collection method: clinical testing. Allele origin: germline.
Comment: The p.R3615W variant (also known as c.10843C>T), located in coding exon 77 of the RYR2 gene, results from a C to T substitution at nucleotide position 10843. The arginine at codon 3615 is replaced by tryptophan, an amino acid with dissimilar properties. This amino acid position is conserved. In addition, this alteration is predicted to be deleterious by in silico analysis. Based on the available evidence, the clinical significance of this variant remains unclear.

Laboratory of Genetics, Children's Clinical University Hospital Latvia
Classification: Uncertain significance. Last evaluated: 2025-02-16. Review status: criteria provided, single submitter. Criteria: ACMG Guidelines, 2015. Collection method: clinical testing. Allele origin: germline. Affected: yes.

All of Us Research Program, National Institutes of Health
Classification: Uncertain significance for Catecholaminergic polymorphic ventricular tachycardia. Last evaluated: 2023-11-30. Review status: criteria provided, single submitter. Criteria: ACMG Guidelines, 2015. Collection method: clinical testing. Allele origin: germline. Inheritance: Autosomal dominant inheritance. Observed: 2 variant alleles, 2 heterozygotes.
Comment: This missense variant replaces arginine with tryptophan at codon 3615 of the RYR2 protein. Computational prediction suggests that this variant may have deleterious impact on protein structure and function (internally defined REVEL score threshold >= 0.7, PMID: 27666373). To our knowledge, functional studies have not been reported for this variant. This variant has not been reported in individuals affected with RYR2-related disorders in the literature. This variant has not been identified in the general population by the Genome Aggregation Database (gnomAD). The available evidence is insufficient to determine the role of this variant in disease conclusively. Therefore, this variant is classified as a Variant of Uncertain Significance.

This study involves interpretation of variants in research participants for the purpose of population health screening. Participant phenotype was not available at the time of variant classification. Additional details can be found in publication PMID: 35346344, PMCID: PMC8962531

NM_001035.3(RYR2):c.10843C>T (p.Arg3615Trp)

Gene: RYR2 (ryanodine receptor 2; plus strand). Cytogenetic location: 1q43.
Variant type: single nucleotide variant.
Coding change: c.10843C>T on transcript NM_001035.3 (MANE Select); coding-DNA position 10843, C replaced by T.
Protein change: p.Arg3615Trp; replaces arginine 3615 with tryptophan.
Molecular consequence: missense variant.
Genome position (GRCh38, 1-based): chr1:237,730,264, C>T. VCF-style: chr1-237730264-C-T. GRCh37 (hg19) VCF-style: chr1-237893564-C-T.
Other names: c.10843C>T (NM_001035.2); short protein forms R3615W.
Identifiers: ClinVar variation 3070430 (VCV003070430.3), dbSNP rs2527041486, ClinGen allele CA345417757.